The following is an entry in ClinVar:

NM_001349206.2(LPIN1):c.1237_1238del (p.Lys413fs)

Gene: LPIN1 (lipin 1; plus strand). Cytogenetic location: 2p25.1.
Variant type: Deletion.
Coding change: c.1237_1238del on transcript NM_001349206.2 (MANE Select); coding-DNA positions 1237 to 1238, 2 bases deleted (AA; older notation c.1237_1238delAA).
Protein change: p.Lys413fs; shifts the reading frame from lysine 413.
Molecular consequence: frameshift variant. On other transcripts: non-coding transcript variant (1).
Genome position (GRCh38, 1-based): chr2:11,782,480-11,782,481, AA deleted. VCF-style (leftmost placement, unchanged base first): chr2-11782479-CAA-C. GRCh37 (hg19) VCF-style: chr2-11922605-CAA-C.
Other names: c.1147_1148del, p.Lys383fs (NM_001261427.3); c.1384_1385del, p.Lys462fs (NM_001261428.3); c.1129_1130del, p.Lys377fs (NM_001349199.2, NM_001349200.2, NM_001349201.2 and 1 more transcripts); c.1234_1235del, p.Lys412fs (NM_001349202.2, NM_001349203.2); c.1237_1238del, p.Lys413fs (NM_001349204.2, NM_001349205.2); c.1327_1328del, p.Lys443fs (NM_001349207.2); c.1276_1277del, p.Lys426fs (NM_001349208.2); short protein forms K377fs, K383fs, K426fs, K462fs, K412fs, K413fs, K443fs.
Identifiers: ClinVar variation 1967744 (VCV001967744.4), dbSNP rs1673747823, ClinGen allele CA2489149015.

ClinVar aggregate classification (germline): Pathogenic (1 of 4 stars; one submission).

Allele frequency attached by ClinVar (database versions not stated): gnomAD exomes below 0.00001; TOPMed below 0.00001.

Submission:

Labcorp Genetics (formerly Invitae), Labcorp
Classification: Pathogenic. Last evaluated: 2025-12-20. Review status: criteria provided, single submitter. Criteria: Invitae Variant Classification Sherloc (09022015). Collection method: clinical testing. Allele origin: germline.
Comment: This sequence change creates a premature translational stop signal (p.Lys377Aspfs*10) in the LPIN1 gene. It is expected to result in an absent or disrupted protein product. Loss-of-function variants in LPIN1 are known to be pathogenic (PMID: 18817903, 20583302, 22481384, 26111941). This variant is not present in population databases (gnomAD no frequency). This variant has not been reported in the literature in individuals affected with LPIN1-related conditions. ClinVar contains an entry for this variant (Variation ID: 1967744). For these reasons, this variant has been classified as Pathogenic.

Literature cited by the submitters: PubMed 18817903; PubMed 20583302; PubMed 22481384; PubMed 26111941.